The following is an entry in ClinVar:

ClinVar aggregate classification (germline): Uncertain significance (1 of 4 stars; one submission).

Conditions:
Pitt-Hopkins-like syndrome 2 (PTHSL2). Identifiers: Orphanet 221150, Orphanet 600663, MedGen C3280479, MONDO:0013690, OMIM 614325.

Allele frequency attached by ClinVar (database versions not stated): gnomAD exomes below 0.00001; TOPMed below 0.00001; gnomAD 0.00001.
gnomAD v4.1: 4 of 1,614,014 alleles (0.00025%); highest among the groups gnomAD compares: African/African-American, 0.004%; no homozygotes.

Submission:

Labcorp Genetics (formerly Invitae), Labcorp
Classification: Uncertain significance for Pitt-Hopkins-like syndrome 2. Last evaluated: 2024-10-16. Review status: criteria provided, single submitter. Criteria: Invitae Variant Classification Sherloc (09022015). Collection method: clinical testing. Allele origin: germline.
Comment: This sequence change replaces lysine, which is basic and polar, with arginine, which is basic and polar, at codon 1226 of the NRXN1 protein (p.Lys1226Arg). This variant is not present in population databases (gnomAD no frequency). This variant has not been reported in the literature in individuals affected with NRXN1-related conditions. ClinVar contains an entry for this variant (Variation ID: 2104351). Invitae Evidence Modeling of protein sequence and biophysical properties (such as structural, functional, and spatial information, amino acid conservation, physicochemical variation, residue mobility, and thermodynamic stability) indicates that this missense variant is not expected to disrupt NRXN1 protein function with a negative predictive value of 80%. In summary, the available evidence is currently insufficient to determine the role of this variant in disease. Therefore, it has been classified as a Variant of Uncertain Significance.

NM_001330078.2(NRXN1):c.3557A>G (p.Lys1186Arg)

Gene: NRXN1 (neurexin 1; minus strand). Cytogenetic location: 2p16.3.
Variant type: single nucleotide variant.
Coding change: c.3557A>G on transcript NM_001330078.2 (MANE Select); coding-DNA position 3557, A replaced by G.
Protein change: p.Lys1186Arg; replaces lysine 1186 with arginine.
Molecular consequence: missense variant.
Genome position (GRCh38, 1-based): chr2:50,091,484, T>C on the plus strand (A>G on the coding strand, the complement: NRXN1 is on the minus strand). VCF-style: chr2-50091484-T-C. GRCh37 (hg19) VCF-style: chr2-50318622-T-C.
Other names: c.3677A>G, p.Lys1226Arg (NM_001135659.3); c.3533A>G, p.Lys1178Arg (NM_001330077.2, NM_001330082.2); c.3491A>G, p.Lys1164Arg (NM_001330083.2, NM_001330084.2); c.3530A>G, p.Lys1177Arg (NM_001330085.2); c.3557A>G, p.Lys1186Arg (NM_001330086.2, NM_004801.6); c.3446A>G, p.Lys1149Arg (NM_001330087.2, NM_001330096.2); c.3476A>G, p.Lys1159Arg (NM_001330088.2); c.452A>G, p.Lys151Arg (NM_001330091.2, NM_001330092.2, NM_001330097.2 and 1 more transcripts); and 3 more; short protein forms K1182R, K1185R, K151R, K1169R, K1186R, K1149R, K1164R, K1177R.
Identifiers: ClinVar variation 2104351 (VCV002104351.4), dbSNP rs1699560039, ClinGen allele CA346819293.